The following is an entry in ClinVar:

NM_001197104.2(KMT2A):c.7240T>A (p.Ser2414Thr)

Gene: KMT2A (lysine methyltransferase 2A; plus strand). Cytogenetic location: 11q23.3.
Variant type: single nucleotide variant.
Coding change: c.7240T>A on transcript NM_001197104.2 (MANE Select); coding-DNA position 7240, T replaced by A.
Protein change: p.Ser2414Thr; replaces serine 2414 with threonine.
Molecular consequence: missense variant.
Genome position (GRCh38, 1-based): chr11:118,503,132, T>A. VCF-style: chr11-118503132-T-A. GRCh37 (hg19) VCF-style: chr11-118373847-T-A.
Other names: c.7240T>A (NM_001197104.1); c.7231T>A, p.Ser2411Thr (NM_005933.4); short protein forms S2411T, S2414T.
Identifiers: ClinVar variation 1645724 (VCV001645724.10), dbSNP rs781865040, ClinGen allele CA6304377.
Genomic context (GRCh38, chr11:118,503,132, plus strand): 5'-TCCTCTCCAGATGAAGATACTGAAGTCAAAACCTTGAAGCTATCTGGAATGAGCAACAGA[T>A]CATCCATTATCAACGAACATATGGGATCTAGTTCCAGAGATAGGAGACAGAAAGGGAAAA-3'
Protein context (NP_001184033.1, residues 2404-2424): TLKLSGMSNR[Ser2414Thr]SIINEHMGSS

ClinVar aggregate classification (germline): Likely benign. Review status: criteria provided, single submitter (1 of 4 stars). 2 submissions from 2 submitters: Likely benign (1). 1 of the submissions does not count toward it. Last evaluated 2024-11-16.

Conditions:
KMT2A-related disorder. Also called: KMT2A-related condition.

Allele frequency attached by ClinVar (database versions not stated): gnomAD exomes 0.00002 and 0.00004; TOPMed 0.00002; ExAC 0.00003; gnomAD 0.00003.
gnomAD v4.1: 30 of 1,613,506 alleles (0.0019%); highest among the groups gnomAD compares: Admixed American, 0.0017%; no homozygotes.

Submissions (2):

Labcorp Genetics (formerly Invitae), Labcorp
Classification: Likely benign. Last evaluated: 2024-11-16. Review status: criteria provided, single submitter. Criteria: Invitae Variant Classification Sherloc (09022015). Collection method: clinical testing. Allele origin: germline.

PreventionGenetics, part of Exact Sciences
Classification: Likely benign for KMT2A-related condition. Last evaluated: 2022-08-10. Review status: no assertion criteria provided. Collection method: clinical testing. Allele origin: germline. Not counted in ClinVar's aggregate classification.
Comment: This variant is classified as likely benign based on ACMG/AMP sequence variant interpretation guidelines (Richards et al. 2015 PMID: 25741868, with internal and published modifications).